The following is an entry in ClinVar:

ClinVar aggregate classification (germline): Likely benign (0 of 4 stars; one submission).

Conditions:
FREM2-related disorder. Also called: FREM2-related condition.

Submission:

PreventionGenetics, part of Exact Sciences
Classification: Likely benign for FREM2-related condition. Last evaluated: 2023-12-13. Review status: no assertion criteria provided. Collection method: clinical testing. Allele origin: germline.
Comment: This variant is classified as likely benign based on ACMG/AMP sequence variant interpretation guidelines (Richards et al. 2015 PMID: 25741868, with internal and published modifications).

NM_207361.6(FREM2):c.4074T>C (p.Thr1358=)

Gene: FREM2 (FRAS1 related extracellular matrix 2; plus strand). Cytogenetic location: 13q13.3.
Variant type: single nucleotide variant.
Coding change: c.4074T>C on transcript NM_207361.6 (MANE Select); coding-DNA position 4074, T replaced by C.
Protein change: p.Thr1358=; no amino-acid change (threonine 1358 retained).
Molecular consequence: synonymous variant.
Genome position (GRCh38, 1-based): chr13:38,691,418, T>C. VCF-style: chr13-38691418-T-C. GRCh37 (hg19) VCF-style: chr13-39265555-T-C.
Identifiers: ClinVar variation 3057517 (VCV003057517.2), dbSNP rs2138070617, ClinGen allele CA483428906.